The following is an entry in ClinVar:

ClinVar aggregate classification (germline): Uncertain significance (1 of 4 stars; one submission).

gnomAD v4.1: 6 of 1,614,110 alleles (0.00037%); highest among the groups gnomAD compares: Non-Finnish European, 0.00051%; no homozygotes.

Submission:

Ambry Genetics
Classification: Uncertain significance. Last evaluated: 2024-02-27. Review status: criteria provided, single submitter. Criteria: Ambry Variant Classification Scheme 2023. Collection method: clinical testing. Allele origin: germline.
Comment: The p.A1695G variant (also known as c.5084C>G), located in coding exon 4 of the ALPK2 gene, results from a C to G substitution at nucleotide position 5084. The alanine at codon 1695 is replaced by glycine, an amino acid with similar properties. This amino acid position is conserved. In addition, this alteration is predicted to be tolerated by in silico analysis. Since supporting evidence is limited at this time, the clinical significance of this alteration remains unclear.

NM_052947.4(ALPK2):c.5084C>G (p.Ala1695Gly)

Genes: ALPK2 (alpha kinase 2; minus strand), LOC130062577 (ATAC-STARR-seq lymphoblastoid active region 13389; plus strand). Cytogenetic location: 18q21.31.
Variant type: single nucleotide variant.
Coding change: c.5084C>G on transcript NM_052947.4 (MANE Select); coding-DNA position 5084, C replaced by G.
Protein change: p.Ala1695Gly; replaces alanine 1695 with glycine.
Molecular consequence: missense variant.
Genome position (GRCh38, 1-based): chr18:58,535,103, G>C on the plus strand (C>G on the coding strand, the complement: ALPK2 is on the minus strand). VCF-style: chr18-58535103-G-C. GRCh37 (hg19) VCF-style: chr18-56202335-G-C.
Other names: short protein forms A1695G.
Identifiers: ClinVar variation 1745235 (VCV001745235.2), dbSNP rs376560005, ClinGen allele CA402558266.